The following is an entry in ClinVar:

NM_001374736.1(DST):c.21476A>G (p.His7159Arg)

Gene: DST (dystonin; minus strand). Cytogenetic location: 6p12.1.
Variant type: single nucleotide variant.
Coding change: c.21476A>G on transcript NM_001374736.1 (MANE Select); coding-DNA position 21476, A replaced by G.
Protein change: p.His7159Arg; replaces histidine 7159 with arginine.
Molecular consequence: missense variant.
Genome position (GRCh38, 1-based): chr6:56,482,105, T>C on the plus strand (A>G on the coding strand, the complement: DST is on the minus strand). VCF-style: chr6-56482105-T-C. GRCh37 (hg19) VCF-style: chr6-56346903-T-C.
Other names: p.His4536Arg; c.15119A>G, p.His5040Arg (NM_001144769.5); c.14705A>G, p.His4902Arg (NM_001144770.2); c.21476A>G, p.His7159Arg (NM_001374722.1); c.20516A>G, p.His6839Arg (NM_001374729.1); c.14258A>G, p.His4753Arg (NM_001374730.1); c.21503A>G, p.His7168Arg (NM_001374734.1); c.14585A>G, p.His4862Arg (NM_001386100.1, NM_183380.4); and 1 more; short protein forms H4536R, H4753R, H4862R, H4902R, H5040R, H6839R, H7159R, H7168R.
Identifiers: ClinVar variation 3379688 (VCV003379688.1).

ClinVar aggregate classification (germline): Uncertain significance (1 of 4 stars; one submission).

gnomAD v4.1: 4 of 1,613,596 alleles (0.00025%); highest among the groups gnomAD compares: Admixed American, 0.0017%; no homozygotes.

Submission:

Mayo Clinic Laboratories, Mayo Clinic
Classification: Uncertain significance. Last evaluated: 2024-01-31. Review status: criteria provided, single submitter. Criteria: ACMG Guidelines, 2015. Collection method: clinical testing. Allele origin: germline. Observed: 1 variant allele.
Comment: PM2